The following is an entry in ClinVar:

ClinVar aggregate classification (germline): Uncertain significance (1 of 4 stars; one submission).

Conditions:
Hereditary cancer-predisposing syndrome. Also called: Hereditary Cancer Syndrome; Hereditary neoplastic syndrome; Neoplastic Syndromes, Hereditary; Tumor predisposition. Identifiers: Orphanet 140162, MedGen C0027672, MeSH D009386, MONDO:0015356.

Submission:

Ambry Genetics
Classification: Uncertain significance for Hereditary cancer-predisposing syndrome. Last evaluated: 2025-04-21. Review status: criteria provided, single submitter. Criteria: Ambry Variant Classification Scheme 2023. Collection method: clinical testing. Allele origin: germline.
Comment: The p.R120I variant (also known as c.359G>T), located in coding exon 3 of the APC gene, results from a G to T substitution at nucleotide position 359. The arginine at codon 120 is replaced by isoleucine, an amino acid with similar properties. This amino acid position is highly conserved in available vertebrate species. In addition, in silico predictors for this gene do not accurately predict pathogenicity. Missense alterations in APC are not a common cause of disease (Spier I et al. Genet Med. 2024 Feb;26(2):100992). Based on the available evidence, the clinical significance of this variant remains unclear.

NM_000038.6(APC):c.359G>T (p.Arg120Ile)

Gene: APC (APC regulator of Wnt signaling pathway; plus strand). Cytogenetic location: 5q22.2.
Variant type: single nucleotide variant.
Coding change: c.359G>T on transcript NM_000038.6 (MANE Select); coding-DNA position 359, G replaced by T.
Protein change: p.Arg120Ile; replaces arginine 120 with isoleucine.
Molecular consequence: missense variant. On other transcripts: 5 prime UTR variant (4), non-coding transcript variant (2).
Genome position (GRCh38, 1-based): chr5:112,767,327, G>T. VCF-style: chr5-112767327-G-T. GRCh37 (hg19) VCF-style: chr5-112103024-G-T.
Other names: c.359G>T, p.Arg120Ile (NM_001127510.3, NM_001354895.2, NM_001354896.2 and 16 more transcripts); c.389G>T, p.Arg130Ile (NM_001127511.3, NM_001354897.2, NM_001354902.2 and 1 more transcripts); c.284G>T, p.Arg95Ile (NM_001354898.2, NM_001354904.2, NM_001407451.1); c.182G>T, p.Arg61Ile (NM_001354900.2, NM_001354901.2, NM_001354905.2 and 1 more transcripts); c.-677G>T (NM_001354906.2, NM_001407470.1, NM_001407471.1 and 1 more transcripts); short protein forms R130I, R120I, R61I, R95I.
Identifiers: ClinVar variation 3927336 (VCV003927336.1).
Genomic context (GRCh38, chr5:112,767,327, plus strand): 5'-AAGGATCTGTATCAAGCCGTTCTGGAGAGTGCAGTCCTGTTCCTATGGGTTCATTTCCAA[G>T]AAGAGGGTTTGTAAATGGAAGCAGAGAAAGTACTGGATATTTAGAAGAACTTGAGAAAGA-3'
Protein context (NP_000029.2, residues 110-130): CSPVPMGSFP[Arg120Ile]RGFVNGSRES